The following is an entry in ClinVar:

ClinVar aggregate classification (germline): Uncertain significance (1 of 4 stars; one submission).

gnomAD v4.1: 3 of 1,613,020 alleles (0.00019%); highest among the groups gnomAD compares: Non-Finnish European, 0.00017%; no homozygotes.

Submission:

GeneDx
Classification: Uncertain significance. Last evaluated: 2025-09-10. Review status: criteria provided, single submitter. Criteria: GeneDx Variant Classification Process June 2021. Collection method: clinical testing. Allele origin: germline. Affected: yes.
Comment: Not observed at significant frequency in large population cohorts (gnomAD); In silico analysis supports a deleterious effect on splicing; Has not been previously published as pathogenic or benign to our knowledge; Reported using an alternate transcript of the gene

NM_007078.3(LDB3):c.446C>T (p.Pro149Leu)

Gene: LDB3 (LIM domain binding 3; plus strand). Cytogenetic location: 10q23.2.
Variant type: single nucleotide variant.
Coding change: c.446C>T on transcript NM_007078.3 (MANE Select); coding-DNA position 446, C replaced by T.
Protein change: p.Pro149Leu; replaces proline 149 with leucine.
Molecular consequence: missense variant. On other transcripts: intron variant (5).
Genome position (GRCh38, 1-based): chr10:86,681,560, C>T. VCF-style: chr10-86681560-C-T. GRCh37 (hg19) VCF-style: chr10-88441317-C-T.
Other names: c.446C>T, p.Pro149Leu (NM_001080115.2, NM_001171610.2, NM_001171611.2 and 3 more transcripts); c.321+1403C>T (NM_001368068.1, NM_001368066.1, NM_001080114.2 and 2 more transcripts); short protein forms P149L.
Identifiers: ClinVar variation 4813393 (VCV004813393.1).